The following is an entry in ClinVar:

ClinVar aggregate classification (germline): Pathogenic. Review status: criteria provided, multiple submitters, no conflicts (2 of 4 stars). 2 submissions from 2 submitters: Pathogenic (2). Last evaluated 2021-12-18.

Conditions:
Sjögren-Larsson syndrome (SLS). Also called: FALDH DEFICIENCY; FATTY ALCOHOL:NAD+ OXIDOREDUCTASE DEFICIENCY; FATTY ALDEHYDE DEHYDROGENASE DEFICIENCY; ICHTHYOSIS, SPASTIC NEUROLOGIC DISORDER, AND OLIGOPHRENIA. Identifiers: Orphanet 816, MedGen C0037231, MONDO:0010031, OMIM 270200.

Submissions (2):

Labcorp Genetics (formerly Invitae), Labcorp
Classification: Pathogenic. Last evaluated: 2021-12-18. Review status: criteria provided, single submitter. Criteria: Invitae Variant Classification Sherloc (09022015). Collection method: clinical testing. Allele origin: germline.
Comment: For these reasons, this variant has been classified as Pathogenic. ClinVar contains an entry for this variant (Variation ID: 1322990). This variant has not been reported in the literature in individuals affected with ALDH3A2-related conditions. This variant is not present in population databases (gnomAD no frequency). This sequence change creates a premature translational stop signal (p.Ser396Phefs*19) in the ALDH3A2 gene. It is expected to result in an absent or disrupted protein product. Loss-of-function variants in ALDH3A2 are known to be pathogenic (PMID: 10577908, 10854114).

Revvity Omics, Revvity
Classification: Pathogenic for Sjögren-Larsson syndrome. Last evaluated: 2019-12-16. Review status: criteria provided, single submitter. Criteria: ACMG Guidelines, 2015. Collection method: clinical testing. Allele origin: germline.

Literature cited by the submitters: PubMed 10577908 (cited by Labcorp Genetics (formerly Invitae), Labcorp); PubMed 10854114 (cited by Labcorp Genetics (formerly Invitae), Labcorp).

NM_000382.3(ALDH3A2):c.1187_1188del (p.Ser396fs)

Gene: ALDH3A2 (aldehyde dehydrogenase 3 family member A2; plus strand). Cytogenetic location: 17p11.2.
Variant type: Microsatellite.
Coding change: c.1187_1188del on transcript NM_000382.3 (MANE Select); coding-DNA positions 1187 to 1188, 2 bases deleted (CT; older notation c.1187_1188delCT).
Protein change: p.Ser396fs; shifts the reading frame from serine 396.
Molecular consequence: frameshift variant.
Genome position (GRCh38, 1-based): chr17:19,665,027-19,665,028, CT deleted; deleting any 2 consecutive bases within chr17:19,665,025-19,665,028 gives the same sequence; the c. name uses the placement nearest the transcript's 3' end. VCF-style (leftmost placement, unchanged base first): chr17-19665024-ACT-A. GRCh37 (hg19) VCF-style: chr17-19568337-ACT-A.
Other names: c.1187_1188del, p.Ser396fs (NM_001031806.2, NM_001369136.1, NM_001369137.2 and 3 more transcripts); c.608_609del, p.Ser203fs (NM_001369148.2); short protein forms S203fs, S396fs.
Identifiers: ClinVar variation 1322990 (VCV001322990.8), dbSNP rs2544393388, ClinGen allele CA915940357.